The following is an entry in ClinVar:

NM_000051.4(ATM):c.8988-1G>T

Genes: ATM (ATM serine/threonine kinase; plus strand), C11orf65 (chromosome 11 open reading frame 65; minus strand). Cytogenetic location: 11q22.3.
Variant type: single nucleotide variant.
Coding change: c.8988-1G>T on transcript NM_000051.4 (MANE Select); the canonical splice acceptor site of the intron before coding-DNA position 8988, G replaced by T.
Molecular consequence: splice acceptor variant. On other transcripts: intron variant (2).
Genome position (GRCh38, 1-based): chr11:108,365,324, G>T. VCF-style: chr11-108365324-G-T. GRCh37 (hg19) VCF-style: chr11-108236051-G-T.
Other names: c.8988-1G>T (NM_001351834.2); c.640+20596C>A (NM_001330368.2); c.694+20596C>A (NM_001351110.2).
Identifiers: ClinVar variation 653848 (VCV000653848.9), dbSNP rs730881386, ClinGen allele CA382530704.

ClinVar aggregate classification (germline): Likely pathogenic (1 of 4 stars; one submission).

Conditions:
Ataxia-telangiectasia syndrome (AT). Also called: Ataxia-telangiectasia, complementation group D; AT, COMPLEMENTATION GROUP C; ATAXIA-TELANGIECTASIA, COMPLEMENTATION GROUP A; ATAXIA-TELANGIECTASIA, FRESNO VARIANT; Ataxia-telangiectasia; LOUIS-BAR SYNDROME. Identifiers: Orphanet 100, MedGen C0004135, MONDO:0008840, OMIM 208900.

Submission:

Labcorp Genetics (formerly Invitae), Labcorp
Classification: Likely pathogenic for Ataxia-telangiectasia syndrome. Last evaluated: 2018-10-12. Review status: criteria provided, single submitter. Criteria: Invitae Variant Classification Sherloc (09022015). Collection method: clinical testing. Allele origin: germline.
Comment: Nucleotide substitutions within the consensus splice site are a relatively common cause of aberrant splicing (PMID: 17576681, 9536098). Algorithms developed to predict the effect of sequence changes on RNA splicing suggest that this variant may disrupt the consensus splice site and strengthen a cryptic acceptor site in exon 63, located 13 nucleotides downstream of the natural splice site. Additionally, an experimental study has reported that disruption of this splice site (c.8988-1G>C) results in the loss of 13 nucleotides from exon 63, causing a frameshift at codon 2996 (p.Ser2996Argfs*6) (PMID: 10330348). In summary, the currently available evidence indicates that the variant is pathogenic, but additional data are needed to prove that conclusively. Therefore, this variant has been classified as Likely Pathogenic. Disruption of this splice site has been observed to be homozygous or on the opposite chromosome (in trans) from a pathogenic variant in individuals affected with ataxia-telangiectasia (PMID: 27664052, 12815592). This finding is consistent with autosomal recessive inheritance, and suggests that this variant contributes to disease. ClinVar contains an entry for this variant (Variation ID: 185326). This sequence change affects an acceptor splice site in the last intron (intron 62) of the ATM gene. While this is not anticipated to result in nonsense mediated decay, it likely alters RNA splicing and results in a disrupted protein product. This variant is not present in population databases (ExAC no frequency).

Literature cited by the submitters: PubMed 17576681; PubMed 9536098; PubMed 10330348; PubMed 27664052; PubMed 12815592.